The following is an entry in ClinVar:

ClinVar aggregate classification (germline): Uncertain significance. Review status: criteria provided, multiple submitters, no conflicts (2 of 4 stars). 2 submissions from 2 submitters: Uncertain significance (2). Last evaluated 2025-10-03.

Conditions:
Inborn genetic diseases. Identifiers: MedGen C0950123, MeSH D030342.
Baller-Gerold syndrome (BGS). Also called: CRANIOSYNOSTOSIS WITH RADIAL DEFECTS. Identifiers: Orphanet 1225, MedGen C0265308, MONDO:0009039, OMIM 218600.

gnomAD v4.1: 2 of 1,561,768 alleles (0.00013%); highest among the groups gnomAD compares: South Asian, 0.0012%; no homozygotes.

Submissions (2):

Ambry Genetics
Classification: Uncertain significance for Inborn genetic diseases. Last evaluated: 2025-10-03. Review status: criteria provided, single submitter. Criteria: Ambry Variant Classification Scheme 2023. Collection method: clinical testing. Allele origin: germline.
Comment: The p.P143S variant (also known as c.427C>T), located in coding exon 5 of the RECQL4 gene, results from a C to T substitution at nucleotide position 427. The proline at codon 143 is replaced by serine, an amino acid with similar properties. This amino acid position is conserved. In addition, this alteration is predicted to be tolerated by in silico analysis. Based on the available evidence, the clinical significance of this variant remains unclear.

Labcorp Genetics (formerly Invitae), Labcorp
Classification: Uncertain significance for Baller-Gerold syndrome. Last evaluated: 2022-02-09. Review status: criteria provided, single submitter. Criteria: Invitae Variant Classification Sherloc (09022015). Collection method: clinical testing. Allele origin: germline.
Comment: This sequence change replaces proline, which is neutral and non-polar, with serine, which is neutral and polar, at codon 143 of the RECQL4 protein (p.Pro143Ser). This variant is not present in population databases (gnomAD no frequency). This variant has not been reported in the literature in individuals affected with RECQL4-related conditions. Experimental studies and prediction algorithms are not available or were not evaluated, and the functional significance of this variant is currently unknown. In summary, the available evidence is currently insufficient to determine the role of this variant in disease. Therefore, it has been classified as a Variant of Uncertain Significance.

NM_004260.4(RECQL4):c.427C>T (p.Pro143Ser)

Gene: RECQL4 (RecQ like helicase 4; minus strand). Cytogenetic location: 8q24.3.
Variant type: single nucleotide variant.
Coding change: c.427C>T on transcript NM_004260.4 (MANE Select); coding-DNA position 427, C replaced by T.
Protein change: p.Pro143Ser; replaces proline 143 with serine.
Molecular consequence: missense variant.
Genome position (GRCh38, 1-based): chr8:144,516,692, G>A on the plus strand (C>T on the coding strand, the complement: RECQL4 is on the minus strand). VCF-style: chr8-144516692-G-A. GRCh37 (hg19) VCF-style: chr8-145742076-G-A.
Other names: c.427C>T (NM_004260.3); short protein forms P143S.
Identifiers: ClinVar variation 1363603 (VCV001363603.4), dbSNP rs1023001689, ClinGen allele CA372691525.